The following is an entry in ClinVar:

NM_201384.3(PLEC):c.9550C>G (p.Pro3184Ala)

Gene: PLEC (plectin; minus strand). Cytogenetic location: 8q24.3.
Variant type: single nucleotide variant.
Coding change: c.9550C>G on transcript NM_201384.3 (MANE Select); coding-DNA position 9550, C replaced by G.
Protein change: p.Pro3184Ala; replaces proline 3184 with alanine.
Molecular consequence: missense variant.
Genome position (GRCh38, 1-based): chr8:143,920,271, G>C on the plus strand (C>G on the coding strand, the complement: PLEC is on the minus strand). VCF-style: chr8-143920271-G-C. GRCh37 (hg19) VCF-style: chr8-144994439-G-C.
Other names: c.9631C>G, p.Pro3211Ala (NM_000445.5); c.6250C>G, p.Pro2084Ala (NM_001410941.1); c.9508C>G, p.Pro3170Ala (NM_201378.4); c.9484C>G, p.Pro3162Ala (NM_201379.3); c.9961C>G, p.Pro3321Ala (NM_201380.4); c.9454C>G, p.Pro3152Ala (NM_201381.3); c.9550C>G, p.Pro3184Ala (NM_201382.4); c.9562C>G, p.Pro3188Ala (NM_201383.3); short protein forms P3152A, P3162A, P3170A, P3188A, P2084A, P3211A, P3184A, P3321A.
Identifiers: ClinVar variation 4784961 (VCV004784961.1).

ClinVar aggregate classification (germline): Uncertain significance (1 of 4 stars; one submission).

Conditions:
Epidermolysis bullosa simplex with nail dystrophy (EBS5D). Identifiers: MedGen C4225309, MONDO:0014661, OMIM 616487.
Epidermolysis bullosa simplex, Ogna type (EBS5A). Also called: Pidermolysis bullosa simplex 5A, Ogna type; EPIDERMOLYSIS BULLOSA SIMPLEX 5A, OGNA TYPE. Identifiers: Orphanet 79401, MedGen C0432317, MONDO:0007555, OMIM 131950.
Epidermolysis bullosa simplex 5B, with muscular dystrophy (EBS5B). Also called: Epidermolysis bullosa simplex with muscular dystrophy; EPIDERMOLYSIS BULLOSA SIMPLEX AND LIMB-GIRDLE MUSCULAR DYSTROPHY. Identifiers: Orphanet 257, MedGen C2931072, MONDO:0009181, OMIM 226670.
Autosomal recessive limb-girdle muscular dystrophy type 2Q (LGMDR17). Also called: MUSCULAR DYSTROPHY, LIMB-GIRDLE, AUTOSOMAL RECESSIVE 17. Identifiers: Orphanet 254361, MedGen C3150989, MONDO:0013390, OMIM 613723.
Epidermolysis bullosa simplex 5C, with pyloric atresia (EBS5C). Also called: PLEC-Related Epidermolysis Bullosa with Pyloric Atresia; Epidermolysis bullosa simplex with pyloric atresia; PLEC1-Related Epidermolysis Bullosa with Pyloric Atresia. Identifiers: Orphanet 158684, MedGen C2677349, MONDO:0012807, OMIM 612138.

gnomAD v4.1: 9 of 1,595,944 alleles (0.00056%); highest among the groups gnomAD compares: African/African-American, 0.0067%; no homozygotes.

Submission:

Labcorp Genetics (formerly Invitae), Labcorp
Classification: Uncertain significance for Autosomal recessive limb-girdle muscular dystrophy type 2Q; Epidermolysis bullosa simplex, Ogna type; Epidermolysis bullosa simplex with nail dystrophy; Epidermolysis bullosa simplex 5C, with pyloric atresia; Epidermolysis bullosa simplex 5B, with muscular dystrophy. Last evaluated: 2025-04-30. Review status: criteria provided, single submitter. Criteria: Invitae Variant Classification Sherloc (09022015). Collection method: clinical testing. Allele origin: germline.
Comment: This sequence change replaces proline, which is neutral and non-polar, with alanine, which is neutral and non-polar, at codon 3211 of the PLEC protein (p.Pro3211Ala). This variant is not present in population databases (gnomAD no frequency). This variant has not been reported in the literature in individuals affected with PLEC-related conditions. An algorithm developed to predict the effect of missense changes on protein structure and function (PolyPhen-2) suggests that this variant is likely to be disruptive. In summary, the available evidence is currently insufficient to determine the role of this variant in disease. Therefore, it has been classified as a Variant of Uncertain Significance.